The following is an entry in ClinVar:

ClinVar aggregate classification (germline): Uncertain significance (1 of 4 stars; one submission).

Conditions:
Cardiovascular phenotype. Identifiers: MedGen CN230736.

Submission:

Ambry Genetics
Classification: Uncertain significance for Cardiovascular phenotype. Last evaluated: 2025-01-04. Review status: criteria provided, single submitter. Criteria: Ambry Variant Classification Scheme 2023. Collection method: clinical testing. Allele origin: germline.
Comment: The p.S2415N variant (also known as c.7244G>A), located in coding exon 43 of the FLNC gene, results from a G to A substitution at nucleotide position 7244. The serine at codon 2415 is replaced by asparagine, an amino acid with highly similar properties. This amino acid position is conserved. In addition, the in silico prediction for this alteration is inconclusive. Based on the available evidence, the clinical significance of this variant remains unclear.

NM_001458.5(FLNC):c.7244G>A (p.Ser2415Asn)

Genes: FLNC (filamin C; plus strand), FLNC-AS1 (FLNC antisense RNA 1; minus strand). Cytogenetic location: 7q32.1.
Variant type: single nucleotide variant.
Coding change: c.7244G>A on transcript NM_001458.5 (MANE Select); coding-DNA position 7244, G replaced by A.
Protein change: p.Ser2415Asn; replaces serine 2415 with asparagine.
Molecular consequence: missense variant.
Genome position (GRCh38, 1-based): chr7:128,855,307, G>A. VCF-style: chr7-128855307-G-A. GRCh37 (hg19) VCF-style: chr7-128495361-G-A.
Other names: c.7145G>A, p.Ser2382Asn (NM_001127487.2); short protein forms S2415N, S2382N.
Identifiers: ClinVar variation 3850779 (VCV003850779.1).
Genomic context (GRCh38, chr7:128,855,307, plus strand): 5'-GCCCCTTTGTGGTGCCTGTGGCCTCCCTCTCGGATGACGCTCGCCGTCTCACTGTCACCA[G>A]CCTCCAGGTTTGTGCCCAGGGTGGGGGTGGAGGGTTTCTGCTATCTGAGAGATGGGCAGG-3'
Protein context (NP_001449.3, residues 2405-2425): SDDARRLTVT[Ser2415Asn]LQETGLKVNQ